The following is an entry in ClinVar:

NM_213599.3(ANO5):c.1213C>T (p.Gln405Ter)

Gene: ANO5 (anoctamin 5; plus strand). Cytogenetic location: 11p14.3.
Variant type: single nucleotide variant.
Coding change: c.1213C>T on transcript NM_213599.3 (MANE Select); coding-DNA position 1213, C replaced by T.
Protein change: p.Gln405Ter; replaces glutamine 405 with a stop codon.
Molecular consequence: nonsense.
Genome position (GRCh38, 1-based): chr11:22,255,403, C>T. VCF-style: chr11-22255403-C-T. GRCh37 (hg19) VCF-style: chr11-22276949-C-T.
Other names: NM_001142649.1:c.1210C>T(p.Gln404Ter); NM_213599.2:c.1213C>T(p.Gln405Ter); c.1210C>T, p.Gln404Ter (NM_001142649.2); short protein forms Q405*, Q404*.
Identifiers: ClinVar variation 285742 (VCV000285742.40), dbSNP rs368970223, ClinGen allele CA5923181.

ClinVar aggregate classification (germline): Pathogenic/Likely pathogenic. Review status: criteria provided, multiple submitters, no conflicts (2 of 4 stars). 6 submissions from 6 submitters: Pathogenic (5); Likely pathogenic (1). Last evaluated 2026-07-01.

Conditions:
Autosomal recessive limb-girdle muscular dystrophy type 2L (LGMDR12). Also called: MUSCULAR DYSTROPHY, LIMB-GIRDLE, AUTOSOMAL RECESSIVE 12; Limb-Girdle Muscular Dystrophy R12 Anoctamin-5-Related (LGMD-R12); Limb-girdle muscular dystrophy, type 2L. Identifiers: Orphanet 206549, MedGen C1969785, MONDO:0012652, OMIM 611307.
Muscular dystrophy. Identifiers: Orphanet 98473, MedGen C0026850, MeSH D009136, MONDO:0020121, HP:0003560.
Gnathodiaphyseal dysplasia (GDD). Also called: OSTEOGENESIS IMPERFECTA WITH UNUSUAL SKELETAL LESIONS; GNATHODIAPHYSEAL SCLEROSIS. Identifiers: Orphanet 53697, MedGen C1833736, MONDO:0008151, OMIM 166260.

Allele frequency attached by ClinVar (database versions not stated): ExAC 0.00002; gnomAD exomes 0.00002 and 0.00003; gnomAD 0.00004; TOPMed 0.00005; ESP Exome Variant Server 0.00015.

Submissions (6):

CeGaT Center for Human Genetics Tuebingen
Classification: Pathogenic. Last evaluated: 2026-07-01. Review status: criteria provided, single submitter. Criteria: CeGaT Center For Human Genetics Tuebingen Variant Classification Criteria Version 2. Collection method: clinical testing. Allele origin: germline. Affected: yes. Observed: 2 variant alleles.
Comment: ANO5: PVS1, PM3:Strong, PM2

Labcorp Genetics (formerly Invitae), Labcorp
Classification: Pathogenic for Autosomal recessive limb-girdle muscular dystrophy type 2L; Gnathodiaphyseal dysplasia. Last evaluated: 2026-01-29. Review status: criteria provided, single submitter. Criteria: Invitae Variant Classification Sherloc (09022015). Collection method: clinical testing. Allele origin: germline.
Comment: This sequence change creates a premature translational stop signal (p.Gln405*) in the ANO5 gene. It is expected to result in an absent or disrupted protein product. Loss-of-function variants in ANO5 are known to be pathogenic (PMID: 21186264, 23606453, 25891276, 30919934). This variant is present in population databases (rs368970223, gnomAD 0.003%). This premature translational stop signal has been observed in individuals with autosomal recessive limb girdle muscular dystrophy (PMID: 25891276). ClinVar contains an entry for this variant (Variation ID: 285742). For these reasons, this variant has been classified as Pathogenic.

Revvity Omics, Revvity
Classification: Pathogenic. Last evaluated: 2019-05-07. Review status: criteria provided, single submitter. Criteria: ACMG Guidelines, 2015. Collection method: clinical testing. Allele origin: germline.

SIB Swiss Institute of Bioinformatics
Classification: Likely pathogenic for Muscular dystrophy. Last evaluated: 2018-04-16. Review status: criteria provided, single submitter. Criteria: ACMG Guidelines, 2015. Collection method: curation. Allele origin: germline.
Comment: The following ACMG Tag(s) were applied: PM2 => Absent from controls (or at extremely low frequency if recessive) in Exome Sequencing Project, 1000 Genomes Project, or Exome Aggregation Consortium. PP3 => Multiple lines of computational evidence support a deleterious effect on the gene or gene product. PVS1-Strong => PVS1 downgraded in strength to Strong.

Eurofins Ntd Llc (ga)
Classification: Pathogenic. Last evaluated: 2017-06-21. Review status: criteria provided, single submitter. Criteria: EGL Classification Definitions 2015. Collection method: clinical testing. Allele origin: germline. Observed: 4 variant alleles, 4 heterozygotes.

Lifecell International Pvt. Ltd
Classification: Pathogenic for Autosomal recessive limb-girdle muscular dystrophy type 2L. Review status: criteria provided, single submitter. Criteria: ACMG Guidelines, 2015. Collection method: clinical testing. Allele origin: germline. Inheritance: Autosomal recessive inheritance. Affected: yes. Observed: 1 compound heterozygote.
Comment: A Heterozygous Nonsense variant c.1213C>T in Exon 13 of the ANO5 gene that results in the amino acid substitution p.Gln405* was identified. The observed variant has a minor allele frequency of 0.00002/0.00003% in gnomAD exomes and genomes, respectively. The severity of the impact of this variant on the protein is high, based on the effect of the protein and REVEL score . Rare Exome Variant Ensemble Learner (REVEL) is an ensembl method for predicting the pathogenicity of missense variants based on a combination of scores from 13 individual tools: MutPred, FATHMM v2.3, VEST 3.0, PolyPhen-2, SIFT, PROVEAN, MutationAssessor, MutationTaster, LRT, GERP++, SiPhy, phyloP, and phastCons. The REVEL score for an individual missense variant can range from 0 to 1, with higher scores reflecting greater likelihood that the variant is disease-causing. ClinVar has also classified this variant as Pathogenic (Variant ID: 285742). The observed variant has previously been reported in the patient affected with muscular dystrophy (Hicks D et.al) Based on the above evidence this variant has been classified as Pathogenic according to the ACMG guidelines.

Literature cited by the submitters: PubMed 21186264 (cited by Labcorp Genetics (formerly Invitae), Labcorp and Lifecell International Pvt. Ltd); PubMed 23606453 (cited by Labcorp Genetics (formerly Invitae), Labcorp); PubMed 25891276 (cited by Labcorp Genetics (formerly Invitae), Labcorp and SIB Swiss Institute of Bioinformatics); PubMed 30919934 (cited by Labcorp Genetics (formerly Invitae), Labcorp).